The following is an entry in ClinVar:

ClinVar aggregate classification (germline): Pathogenic (1 of 4 stars; one submission).

Conditions:
Hereditary cancer-predisposing syndrome. Also called: Hereditary neoplastic syndrome; Neoplastic Syndromes, Hereditary; Tumor predisposition; Hereditary Cancer Syndrome. Identifiers: Orphanet 140162, MedGen C0027672, MeSH D009386, MONDO:0015356.

Submission:

Ambry Genetics
Classification: Pathogenic for Hereditary cancer-predisposing syndrome. Last evaluated: 2025-03-12. Review status: criteria provided, single submitter. Criteria: Ambry Variant Classification Scheme 2023. Collection method: clinical testing. Allele origin: germline.
Comment: The c.1280delT pathogenic mutation, located in coding exon 11 of the CHEK2 gene, results from a deletion of one nucleotide at nucleotide position 1280, causing a translational frameshift with a predicted alternate stop codon (p.F427Sfs*10). This variant is considered to be rare based on population cohorts in the Genome Aggregation Database (gnomAD). This alteration is expected to result in loss of function by premature protein truncation or nonsense-mediated mRNA decay. As such, this alteration is interpreted as a disease-causing mutation.

NM_007194.4(CHEK2):c.1280del (p.Phe427fs)

Gene: CHEK2 (checkpoint kinase 2; minus strand). Cytogenetic location: 22q12.1.
Variant type: Deletion.
Coding change: c.1280del on transcript NM_007194.4 (MANE Select); coding-DNA position 1280, one base deleted (T; older notation c.1280delT).
Protein change: p.Phe427fs; shifts the reading frame from phenylalanine 427.
Molecular consequence: frameshift variant.
Genome position (GRCh38, 1-based): chr22:28,695,222, A deleted on the plus strand (T on the coding strand, the reverse complement: CHEK2 is on the minus strand); the first of 3 consecutive A bases (chr22:28,695,222-28,695,224); deleting any one gives the same sequence. VCF-style (leftmost placement, unchanged base first): chr22-28695221-GA-G. GRCh37 (hg19) VCF-style: chr22-29091209-GA-G.
Other names: c.1407delT, p.Phe470Serfs (NM_001005735.3); c.615delT, p.Phe206Serfs (NM_001257387.3); c.1077delT, p.Phe360Serfs (NM_001349956.3); c.1191delT, p.Phe398Serfs (NM_145862.3); short protein forms F360fs, F398fs, F206fs, F427fs, F470fs.
Identifiers: ClinVar variation 3832950 (VCV003832950.1).